The following is an entry in ClinVar:

NM_031229.4(RBCK1):c.743G>A (p.Arg248His)

Gene: RBCK1 (RANBP2-type and C3HC4-type zinc finger containing 1; plus strand). Cytogenetic location: 20p13.
Variant type: single nucleotide variant.
Coding change: c.743G>A on transcript NM_031229.4 (MANE Select); coding-DNA position 743, G replaced by A.
Protein change: p.Arg248His; replaces arginine 248 with histidine.
Molecular consequence: missense variant. On other transcripts: non-coding transcript variant (1).
Genome position (GRCh38, 1-based): chr20:419,718, G>A. VCF-style: chr20-419718-G-A. GRCh37 (hg19) VCF-style: chr20-400362-G-A.
Other names: c.394G>A, p.Val132Ile (NM_001323956.2, NM_001323958.2); c.617G>A, p.Arg206His (NM_006462.6); short protein forms R248H, V132I, R206H.
Identifiers: ClinVar variation 1045082 (VCV001045082.7), dbSNP rs1385885540, ClinGen allele CA407926369.

ClinVar aggregate classification (germline): Uncertain significance (1 of 4 stars; one submission).

Conditions:
Polyglucosan body myopathy type 1 (PGBM1). Also called: Polyglucosan body myopathy 1 with or without immunodeficiency; POLYGLUCOSAN BODY MYOPATHY WITHOUT IMMUNODEFICIENCY. Identifiers: Orphanet 329173, Orphanet 397937, MedGen C4014605, MONDO:0014389, OMIM 615895.

Allele frequency attached by ClinVar (database versions not stated): gnomAD 0.00001; gnomAD exomes 0.00001; TOPMed 0.00001.
gnomAD v4.1: 11 of 1,560,804 alleles (0.0007%); highest among the groups gnomAD compares: Admixed American, 0.0075%; no homozygotes.

Submission:

Labcorp Genetics (formerly Invitae), Labcorp
Classification: Uncertain significance for Polyglucosan body myopathy type 1. Last evaluated: 2022-01-27. Review status: criteria provided, single submitter. Criteria: Invitae Variant Classification Sherloc (09022015). Collection method: clinical testing. Allele origin: germline.
Comment: In summary, the available evidence is currently insufficient to determine the role of this variant in disease. Therefore, it has been classified as a Variant of Uncertain Significance. Algorithms developed to predict the effect of missense changes on protein structure and function output the following: SIFT: "Not Available"; PolyPhen-2: "Possibly Damaging"; Align-GVGD: "Not Available". The histidine amino acid residue is found in multiple mammalian species, which suggests that this missense change does not adversely affect protein function. ClinVar contains an entry for this variant (Variation ID: 1045082). This variant has not been reported in the literature in individuals affected with RBCK1-related conditions. The frequency data for this variant in the population databases is considered unreliable, as metrics indicate poor data quality at this position in the gnomAD database. This sequence change replaces arginine, which is basic and polar, with histidine, which is basic and polar, at codon 248 of the RBCK1 protein (p.Arg248His).